The following is an entry in ClinVar:

NM_004446.3(EPRS1):c.94G>A (p.Val32Ile)

Gene: EPRS1 (glutamyl-prolyl-tRNA synthetase 1; minus strand). Cytogenetic location: 1q41.
Variant type: single nucleotide variant.
Coding change: c.94G>A on transcript NM_004446.3 (MANE Select); coding-DNA position 94, G replaced by A.
Protein change: p.Val32Ile; replaces valine 32 with isoleucine.
Molecular consequence: missense variant.
Genome position (GRCh38, 1-based): chr1:220,040,222, C>T on the plus strand (G>A on the coding strand, the complement: EPRS1 is on the minus strand). VCF-style: chr1-220040222-C-T. GRCh37 (hg19) VCF-style: chr1-220213564-C-T.
Other names: c.94G>A (NM_004446.2); short protein forms V32I.
Identifiers: ClinVar variation 2183532 (VCV002183532.4), dbSNP rs149264109, ClinGen allele CA1400635.

ClinVar aggregate classification (germline): Conflicting classifications of pathogenicity. Review status: criteria provided, conflicting classifications (1 of 4 stars). 2 submissions from 2 submitters: Uncertain significance (1); Likely benign (1). Last evaluated 2024-03-29.

Conditions:
Inborn genetic diseases. Identifiers: MedGen C0950123, MeSH D030342.

Allele frequency attached by ClinVar (database versions not stated): gnomAD exomes 0.00002; ExAC 0.00003; ESP Exome Variant Server 0.00008; gnomAD 0.00022; TOPMed 0.00026; 1000 Genomes Project 30x 0.00031; 1000 Genomes Project 0.00040.

Submissions (2):

Ambry Genetics
Classification: Likely benign for Inborn genetic diseases. Last evaluated: 2024-03-29. Review status: criteria provided, single submitter. Criteria: Ambry Variant Classification Scheme 2023. Collection method: clinical testing. Allele origin: germline.

Labcorp Genetics (formerly Invitae), Labcorp
Classification: Uncertain significance. Last evaluated: 2022-04-11. Review status: criteria provided, single submitter. Criteria: Invitae Variant Classification Sherloc (09022015). Collection method: clinical testing. Allele origin: germline.
Comment: In summary, the available evidence is currently insufficient to determine the role of this variant in disease. Therefore, it has been classified as a Variant of Uncertain Significance. Algorithms developed to predict the effect of missense changes on protein structure and function output the following: SIFT: "Tolerated"; PolyPhen-2: "Benign"; Align-GVGD: "Class C0". The isoleucine amino acid residue is found in multiple mammalian species, which suggests that this missense change does not adversely affect protein function. This variant has not been reported in the literature in individuals affected with EPRS-related conditions. This variant is present in population databases (rs149264109, gnomAD 0.07%). This sequence change replaces valine, which is neutral and non-polar, with isoleucine, which is neutral and non-polar, at codon 32 of the EPRS protein (p.Val32Ile).